The following is an entry in ClinVar:

ClinVar aggregate classification (germline): Likely benign (0 of 4 stars; one submission).

Conditions:
CSMD3-related disorder. Also called: CSMD3-related condition.

Allele frequency attached by ClinVar (database versions not stated): 1000 Genomes Project 0.00140; 1000 Genomes Project 30x 0.00141; ESP Exome Variant Server 0.00238; gnomAD 0.00273; TOPMed 0.00306; ExAC 0.00308; gnomAD exomes 0.00340.
gnomAD v4.1: 5,409 of 1,613,310 alleles (0.34%); highest among the groups gnomAD compares: Middle Eastern, 0.79%; 19 homozygotes.

Submission:

PreventionGenetics, part of Exact Sciences
Classification: Likely benign for CSMD3-related condition. Last evaluated: 2021-02-10. Review status: no assertion criteria provided. Collection method: clinical testing. Allele origin: germline.
Comment: This variant is classified as likely benign based on ACMG/AMP sequence variant interpretation guidelines (Richards et al. 2015 PMID: 25741868, with internal and published modifications).

NM_198123.2(CSMD3):c.5186C>T (p.Ala1729Val)

Gene: CSMD3 (CUB and Sushi multiple domains 3; minus strand). Cytogenetic location: 8q23.3.
Variant type: single nucleotide variant.
Coding change: c.5186C>T on transcript NM_198123.2 (MANE Select); coding-DNA position 5186, C replaced by T.
Protein change: p.Ala1729Val; replaces alanine 1729 with valine.
Molecular consequence: missense variant.
Genome position (GRCh38, 1-based): chr8:112,492,581, G>A on the plus strand (C>T on the coding strand, the complement: CSMD3 is on the minus strand). VCF-style: chr8-112492581-G-A. GRCh37 (hg19) VCF-style: chr8-113504810-G-A.
Other names: c.4796C>T, p.Ala1599Val (NM_001363185.1); c.4874C>T, p.Ala1625Val (NM_052900.3); c.5066C>T, p.Ala1689Val (NM_198124.2); short protein forms A1599V, A1625V, A1689V, A1729V.
Identifiers: ClinVar variation 3042999 (VCV003042999.2), dbSNP rs61754527, ClinGen allele CA4849954.